The following is an entry in ClinVar:

NM_022367.4(SEMA4A):c.1694-13C>G

Gene: SEMA4A (semaphorin 4A; plus strand). Cytogenetic location: 1q22.
Variant type: single nucleotide variant.
Coding change: c.1694-13C>G on transcript NM_022367.4 (MANE Select); 13 bases into the intron before coding-DNA position 1694, C replaced by G.
Molecular consequence: intron variant.
Genome position (GRCh38, 1-based): chr1:156,176,392, C>G. VCF-style: chr1-156176392-C-G. GRCh37 (hg19) VCF-style: chr1-156146183-C-G.
Other names: c.1187-13C>G (NM_001370571.1, NM_001370569.1); c.1694-13C>G (NM_001193300.2, NM_001193301.2, NM_001370567.1); c.1397-13C>G (NM_001370568.1); c.1298-13C>G (NM_001193302.2).
Identifiers: ClinVar variation 292853 (VCV000292853.22), dbSNP rs144540956, ClinGen allele CA1155446.

ClinVar aggregate classification (germline): Conflicting classifications of pathogenicity. Review status: criteria provided, conflicting classifications (1 of 4 stars). 5 submissions from 4 submitters: Uncertain significance (1); Benign (2); Likely benign (2). Last evaluated 2025-12-01.

Conditions:
Retinitis pigmentosa (RP). Identifiers: Orphanet 791, MedGen C0035334, MeSH D012174, MONDO:0019200, OMIM 268000. Inheritance: Autosomal dominant, autosomal recessive and X linked inheritance.
Cone-rod dystrophy 10 (CORD10). Identifiers: Orphanet 1872, MedGen C1846529, MONDO:0012464, OMIM 610283.

Allele frequency attached by ClinVar (database versions not stated): gnomAD 0.00013; TOPMed 0.00021; ESP Exome Variant Server 0.00031; 1000 Genomes Project 0.00040; 1000 Genomes Project 30x 0.00062.
gnomAD v4.1: 741 of 1,598,468 alleles (0.046%); highest among the groups gnomAD compares: South Asian, 0.42%; 6 homozygotes.

Submissions (5):

Labcorp Genetics (formerly Invitae), Labcorp
Classification: Benign. Last evaluated: 2025-12-01. Review status: criteria provided, single submitter. Criteria: Invitae Variant Classification Sherloc (09022015). Collection method: clinical testing. Allele origin: germline.

Blueprint Genetics
Classification: Likely benign. Last evaluated: 2024-10-25. Review status: criteria provided, single submitter. Criteria: ACMG Guidelines, 2015. Collection method: clinical testing. Allele origin: germline.

ARUP Laboratories, Molecular Genetics and Genomics, ARUP Laboratories
Classification: Likely benign. Last evaluated: 2019-05-22. Review status: criteria provided, single submitter. Criteria: ARUP Molecular Germline Variant Investigation Process. Collection method: clinical testing. Allele origin: germline.

Illumina Laboratory Services, Illumina
Classification: Uncertain significance for Cone-rod dystrophy 10. Last evaluated: 2018-01-13. Review status: criteria provided, single submitter. Criteria: ICSL Variant Classification Criteria 13 December 2019. Collection method: clinical testing. Allele origin: germline.

Illumina Laboratory Services, Illumina
Classification: Benign for Retinitis pigmentosa. Last evaluated: 2018-01-13. Review status: criteria provided, single submitter. Criteria: ICSL Variant Classification Criteria 13 December 2019. Collection method: clinical testing. Allele origin: germline.
Comment: This variant was observed in the ICSL laboratory as part of a predisposition screen in an ostensibly healthy population. It had not been previously curated by ICSL or reported in the Human Gene Mutation Database (HGMD: prior to June 1st, 2018), and was therefore a candidate for classification through an automated scoring system. Utilizing variant allele frequency, disease prevalence and penetrance estimates, and inheritance mode, an automated score was calculated to assess if this variant is too frequent to cause the disease. Based on the score and internal cut-off values, a variant classified as benign is not then subjected to further curation. The score for this variant resulted in a classification of benign for this disease.